The following is an entry in ClinVar:

ClinVar aggregate classification (germline): Likely benign (0 of 4 stars; one submission).

Conditions:
TNC-related disorder. Also called: TNC-related condition.

Allele frequency attached by ClinVar (database versions not stated): TOPMed 0.00005; ExAC 0.00006; gnomAD 0.00006; gnomAD exomes 0.00007; ESP Exome Variant Server 0.00008.
gnomAD v4.1: 112 of 1,613,964 alleles (0.0069%); highest among the groups gnomAD compares: East Asian, 0.018%; no homozygotes.

Submission:

PreventionGenetics, part of Exact Sciences
Classification: Likely benign for TNC-related condition. Last evaluated: 2023-09-19. Review status: no assertion criteria provided. Collection method: clinical testing. Allele origin: germline.
Comment: This variant is classified as likely benign based on ACMG/AMP sequence variant interpretation guidelines (Richards et al. 2015 PMID: 25741868, with internal and published modifications).

NM_002160.4(TNC):c.5222G>A (p.Arg1741Gln)

Gene: TNC (tenascin C; minus strand). Cytogenetic location: 9q33.1.
Variant type: single nucleotide variant.
Coding change: c.5222G>A on transcript NM_002160.4 (MANE Select); coding-DNA position 5222, G replaced by A.
Protein change: p.Arg1741Gln; replaces arginine 1741 with glutamine.
Molecular consequence: missense variant.
Genome position (GRCh38, 1-based): chr9:115,042,245, C>T on the plus strand (G>A on the coding strand, the complement: TNC is on the minus strand). VCF-style: chr9-115042245-C-T. GRCh37 (hg19) VCF-style: chr9-117804524-C-T.
Other names: c.4676G>A, p.Arg1559Gln (NM_001410991.1); short protein forms R1559Q, R1741Q.
Identifiers: ClinVar variation 3040413 (VCV003040413.2), dbSNP rs149299073, ClinGen allele CA5207725.